The following is an entry in ClinVar:

ClinVar aggregate classification (germline): Uncertain significance (1 of 4 stars; one submission).

Conditions:
Hereditary cancer-predisposing syndrome. Also called: Hereditary neoplastic syndrome; Tumor predisposition; Hereditary Cancer Syndrome; Neoplastic Syndromes, Hereditary. Identifiers: Orphanet 140162, MedGen C0027672, MeSH D009386, MONDO:0015356.

Submission:

Ambry Genetics
Classification: Uncertain significance for Hereditary cancer-predisposing syndrome. Last evaluated: 2023-07-27. Review status: criteria provided, single submitter. Criteria: Ambry Variant Classification Scheme 2023. Collection method: clinical testing. Allele origin: germline.
Comment: The p.K428N variant (also known as c.1284A>C), located in coding exon 9 of the BRCA1 gene, results from an A to C substitution at nucleotide position 1284. The lysine at codon 428 is replaced by asparagine, an amino acid with similar properties. This amino acid position is conserved. In addition, the in silico prediction for this alteration is inconclusive. Since supporting evidence is limited at this time, the clinical significance of this alteration remains unclear.

NM_007294.4(BRCA1):c.1284A>C (p.Lys428Asn)

Gene: BRCA1 (BRCA1 DNA repair associated; minus strand). Cytogenetic location: 17q21.31.
Variant type: single nucleotide variant.
Coding change: c.1284A>C on transcript NM_007294.4 (MANE Select); coding-DNA position 1284, A replaced by C.
Protein change: p.Lys428Asn; replaces lysine 428 with asparagine.
Molecular consequence: missense variant. On other transcripts: intron variant (137).
Genome position (GRCh38, 1-based): chr17:43,094,247, T>G on the plus strand (A>C on the coding strand, the complement: BRCA1 is on the minus strand). VCF-style: chr17-43094247-T-G. GRCh37 (hg19) VCF-style: chr17-41246264-T-G.
Other names: c.1140A>C, p.Lys380Asn (NM_001407844.1, NM_001407845.1, NM_001407846.1 and 20 more transcripts); c.1143A>C, p.Lys381Asn (NM_001407850.1, NM_001407851.1, NM_001407852.1 and 29 more transcripts); c.1071A>C, p.Lys357Asn (NM_001407853.1, NM_001407894.1, NM_001407895.1 and 9 more transcripts); c.1284A>C, p.Lys428Asn (NM_001407854.1, NM_001407858.1, NM_001407859.1 and 30 more transcripts); c.1281A>C, p.Lys427Asn (NM_001407860.1, NM_001407861.1, NM_001407587.1 and 22 more transcripts); c.1083A>C, p.Lys361Asn (NM_001407862.1); c.1161A>C, p.Lys387Asn (NM_001407863.1, NM_001407919.1, NM_001407937.1 and 19 more transcripts); c.1080A>C, p.Lys360Asn (NM_001407874.1, NM_001407875.1); and 40 more; short protein forms K316N, K317N, K357N, K358N, K381N, K425N, K260N, K340N.
Identifiers: ClinVar variation 2585836 (VCV002585836.2), dbSNP rs1597877014, ClinGen allele CA10599488.
Genomic context (GRCh38, chr17:43,094,247, plus strand): 5'-GTGAACTCTTTCACTTTTACATATTAAAGCCTCATGAGGATCACTGGCCAGTAAGTCTAT[T>G]TTCTCTGAAGAACCAGAATATTCATCTACCTCATTTAGAACGTCCAATACATCAGCTACT-3'
Protein context (NP_009225.1, residues 418-438): EVDEYSGSSE[Lys428Asn]IDLLASDPHE